The following is an entry in ClinVar:

ClinVar aggregate classification (germline): Uncertain significance (1 of 4 stars; one submission).

Allele frequency attached by ClinVar (database versions not stated): ESP Exome Variant Server 0.00023; gnomAD 0.00030; ExAC 0.00032.
gnomAD v4.1: 492 of 1,613,470 alleles (0.03%); highest among the groups gnomAD compares: Middle Eastern, 0.54%; 2 homozygotes.

Submission:

Ambry Genetics
Classification: Uncertain significance. Last evaluated: 2025-11-19. Review status: criteria provided, single submitter. Criteria: Ambry Variant Classification Scheme 2023. Collection method: clinical testing. Allele origin: germline.

NM_001040105.2(MUC17):c.9791C>T (p.Pro3264Leu)

Gene: MUC17 (mucin 17, cell surface associated; plus strand). Cytogenetic location: 7q22.1.
Variant type: single nucleotide variant.
Coding change: c.9791C>T on transcript NM_001040105.2 (MANE Select); coding-DNA position 9791, C replaced by T.
Protein change: p.Pro3264Leu; replaces proline 3264 with leucine.
Molecular consequence: missense variant. On other transcripts: non-coding transcript variant (1).
Genome position (GRCh38, 1-based): chr7:101,041,207, C>T. VCF-style: chr7-101041207-C-T. GRCh37 (hg19) VCF-style: chr7-100684488-C-T.
Other names: short protein forms P3264L.
Identifiers: ClinVar variation 3064052 (VCV003064052.4), dbSNP rs200952399, ClinGen allele CA4403851.